The following is an entry in ClinVar:

NM_001035.3(RYR2):c.2562A>G (p.Thr854=)

Gene: RYR2 (ryanodine receptor 2; plus strand). Cytogenetic location: 1q43.
Variant type: single nucleotide variant.
Coding change: c.2562A>G on transcript NM_001035.3 (MANE Select); coding-DNA position 2562, A replaced by G.
Protein change: p.Thr854=; no amino-acid change (threonine 854 retained).
Molecular consequence: synonymous variant.
Genome position (GRCh38, 1-based): chr1:237,503,454, A>G. VCF-style: chr1-237503454-A-G. GRCh37 (hg19) VCF-style: chr1-237666754-A-G.
Identifiers: ClinVar variation 165082 (VCV000165082.20), dbSNP rs727503398, ClinGen allele CA008880.

ClinVar aggregate classification (germline): Likely benign. Review status: criteria provided, multiple submitters, no conflicts (2 of 4 stars). 5 submissions from 5 submitters: Likely benign (5). Last evaluated 2025-05-18.

Conditions:
Catecholaminergic polymorphic ventricular tachycardia (CVPT). Also called: Catecholamine-induced polymorphic ventricular tachycardia. Identifiers: Orphanet 3286, MedGen C5574922, MONDO:0017990.
Cardiomyopathy (CMYO). Also called: Cardiomyopathies. Identifiers: Orphanet 167848, MedGen C0878544, MONDO:0004994, HP:0001638. Inheritance: Various modes of inheritance.
Cardiovascular phenotype. Identifiers: MedGen CN230736.
Catecholaminergic polymorphic ventricular tachycardia 1. Also called: RYR2-Related Catecholaminergic Polymorphic Ventricular Tachycardia; VENTRICULAR TACHYCARDIA, STRESS-INDUCED POLYMORPHIC 1; VENTRICULAR TACHYCARDIA, CATECHOLAMINERGIC POLYMORPHIC, 1, WITH OR WITHOUT ATRIAL DYSFUNCTION AND/OR DILATED CARDIOMYOPATHY. Identifiers: Orphanet 3286, MedGen C1631597, MONDO:0011484, OMIM 604772.

Allele frequency attached by ClinVar (database versions not stated): gnomAD 0.00001; TOPMed 0.00001.
gnomAD v4.1: 24 of 1,613,848 alleles (0.0015%); highest among the groups gnomAD compares: African/African-American, 0.0027%; no homozygotes.

Submissions (5):

Labcorp Genetics (formerly Invitae), Labcorp
Classification: Likely benign for Catecholaminergic polymorphic ventricular tachycardia 1. Last evaluated: 2025-05-18. Review status: criteria provided, single submitter. Criteria: Invitae Variant Classification Sherloc (09022015). Collection method: clinical testing. Allele origin: germline.

All of Us Research Program, National Institutes of Health
Classification: Likely benign for Catecholaminergic polymorphic ventricular tachycardia. Last evaluated: 2023-08-28. Review status: criteria provided, single submitter. Criteria: ACMG Guidelines, 2015. Collection method: clinical testing. Allele origin: germline. Inheritance: Autosomal dominant inheritance. Observed: 1 variant allele, 1 heterozygote.
Comment: This study involves interpretation of variants in research participants for the purpose of population health screening. Participant phenotype was not available at the time of variant classification. Additional details can be found in publication PMID: 35346344, PMCID: PMC8962531

Color Diagnostics, LLC DBA Color Health
Classification: Likely benign for Cardiomyopathy. Last evaluated: 2022-11-06. Review status: criteria provided, single submitter. Criteria: ACMG Guidelines, 2015. Collection method: clinical testing. Allele origin: germline.

Ambry Genetics
Classification: Likely benign for Cardiovascular phenotype. Last evaluated: 2022-10-21. Review status: criteria provided, single submitter. Criteria: Ambry Variant Classification Scheme 2023. Collection method: clinical testing. Allele origin: germline.

Laboratory for Molecular Medicine, Mass General Brigham Personalized Medicine
Classification: Likely benign. Last evaluated: 2013-04-04. Review status: criteria provided, single submitter. Criteria: LMM Criteria. Collection method: clinical testing. Allele origin: germline. Observed: 1 variant allele.
Comment: Thr854Thr in exon 22 of RYR2: This variant is not expected to have clinical sign ificance because it does not alter an amino acid residue and is not located with in the splice consensus sequence. Thr854Thr in exon 22 of RYR2 (allele frequenc y = n/a)